The following is an entry in ClinVar:

NM_206933.4(USH2A):c.13316C>T (p.Thr4439Ile)

Gene: USH2A (usherin; minus strand). Cytogenetic location: 1q41.
Variant type: single nucleotide variant.
Coding change: c.13316C>T on transcript NM_206933.4 (MANE Select); coding-DNA position 13316, C replaced by T.
Protein change: p.Thr4439Ile; replaces threonine 4439 with isoleucine.
Molecular consequence: missense variant.
Genome position (GRCh38, 1-based): chr1:215,674,595, G>A on the plus strand (C>T on the coding strand, the complement: USH2A is on the minus strand). VCF-style: chr1-215674595-G-A. GRCh37 (hg19) VCF-style: chr1-215847937-G-A.
Other names: short protein forms T4439I.
Identifiers: ClinVar variation 198344 (VCV000198344.73), dbSNP rs753330544, ClinGen allele CA275369.
Genomic context (GRCh38, chr1:215,674,595, plus strand): 5'-GATTCTGAGCCTGTGACTTGCAATGTTGGAGAGTCCATGTTCTCTGGCAGGGCCTCCATT[G>A]TCCAGGCAGATTTTGACACACTAGCTGTGCAACCTCCATTCGTGCAGGCTACAAGGGAGA-3'
Protein context (NP_996816.3, residues 4429-4449): CTASVSKSAW[Thr4439Ile]MEALPENMDS

ClinVar aggregate classification (germline): Pathogenic/Likely pathogenic. Review status: criteria provided, multiple submitters, no conflicts (2 of 4 stars). 20 submissions from 18 submitters: Pathogenic (11); Likely pathogenic (4). 5 of the submissions do not count toward it. Last evaluated 2026-09-02.

Conditions:
Monogenic hearing loss.
Usher syndrome. Also called: Usher Syndromes; Usher's syndrome. Identifiers: Orphanet 886, MedGen CN469326, MeSH D052245, MONDO:0019501. Disease mechanism: loss of function.
USH2A-related disorder. Also called: USH2A-related condition; USH2A-related disorders. Identifiers: MedGen CN239332.
Retinitis pigmentosa 39 (RP39). Identifiers: Orphanet 791, MedGen C3151138, MONDO:0013436, OMIM 613809.
Usher syndrome type 2A. Also called: RETINAL DISEASE IN USHER SYNDROME TYPE IIA, MODIFIER OF; USHER SYNDROME, TYPE IIA. Identifiers: Orphanet 231178, Orphanet 886, MedGen C1848634, MONDO:0010169, OMIM 276901.
Retinal dystrophy. Also called: Inherited retinal dystrophy. Identifiers: Orphanet 71862, MedGen C0854723, MeSH D058499, MONDO:0019118, HP:0000556.
Retinitis pigmentosa (RP). Identifiers: Orphanet 791, MedGen C0035334, MeSH D012174, MONDO:0019200, OMIM 268000. Inheritance: Autosomal dominant, autosomal recessive and X linked inheritance.
Retinal disorder. Also called: Retinopathy; Retinopathies; Retinal Diseases; Retinal disorders. Identifiers: MedGen C0035309, MONDO:0005283, HP:0000488.

Allele frequency attached by ClinVar (database versions not stated): gnomAD 0.00001; gnomAD exomes 0.00001 and 0.00007; TOPMed 0.00004.
gnomAD v4.1: 102 of 1,614,038 alleles (0.0063%); highest among the groups gnomAD compares: Non-Finnish European, 0.0084%; no homozygotes.

Submissions (20):

PreventionGenetics, part of Exact Sciences
Classification: Pathogenic for USH2A-related condition. Last evaluated: 2026-09-02. Review status: criteria provided, single submitter. Criteria: ACMG Guidelines, 2015. Collection method: clinical testing. Allele origin: germline.
Comment: The USH2A c.13316C>T variant is predicted to result in the amino acid substitution p.Thr4439Ile. This variant has been reported in the compound heterozygous state in multiple individuals with Usher syndrome or USH2A-related conditions (for example, Le Quesne et al. 2012. PubMed ID: 22135276; Lenassi et al. 2015. PubMed ID: 25521520; Table S1, Lin et al. 2024. PubMed ID: 38219857). This variant segregated in the compound heterozygous state in two affected siblings (Lenassi et al. 2015. PubMed ID: 25521520 ). This variant is present in 0.0027% of alleles in individuals of European (Non-Finnish) descent in gnomAD. This variant is interpreted as pathogenic.

Labcorp Genetics (formerly Invitae), Labcorp
Classification: Pathogenic. Last evaluated: 2026-01-22. Review status: criteria provided, single submitter. Criteria: Invitae Variant Classification Sherloc (09022015). Collection method: clinical testing. Allele origin: germline.
Comment: This sequence change replaces threonine, which is neutral and polar, with isoleucine, which is neutral and non-polar, at codon 4439 of the USH2A protein (p.Thr4439Ile). This variant is present in population databases (rs753330544, gnomAD 0.003%). This missense change has been observed in individual(s) with Usher syndrome (PMID: 22135276, 24944099, 25521520, 26416264, 27460420, 27957503, 28041643). In at least one individual the data is consistent with being in trans (on the opposite chromosome) from a pathogenic variant. ClinVar contains an entry for this variant (Variation ID: 198344). Invitae Evidence Modeling of protein sequence and biophysical properties (such as structural, functional, and spatial information, amino acid conservation, physicochemical variation, residue mobility, and thermodynamic stability) indicates that this missense variant is expected to disrupt USH2A protein function with a positive predictive value of 80%. For these reasons, this variant has been classified as Pathogenic.

Natera, Inc.
Classification: Pathogenic for Usher syndrome type 2A. Last evaluated: 2025-12-24. Review status: criteria provided, single submitter. Criteria: Natera Variant Classification Schema (03/2026). Collection method: clinical testing. Allele origin: germline.
Comment: The c.13316C>T variant in USH2A is a missense variant predicted to cause substitution of threonine to isoleucine at amino acid 4439. This variant is rare in the general population with a frequency below the threshold expected for the associated phenotype(s). This variant has been observed in one or more individuals affected with the associated recessive disease, as either homozygous or compound heterozygous with a second variant (PMID: 22135276, 31998945). Computational prediction algorithms indicate this variant is likely to affect gene or protein function. Given the available evidence, this variant is classified as Pathogenic.

Genetics Laboratory, Great Ormond Street Hospital NHS Foundation Trust, North Thames Genomic Laboratory Hub
Classification: Pathogenic for Retinal disorders. Last evaluated: 2025-12-12. Review status: criteria provided, single submitter. Criteria: ACGS Best Practice Guidelines for Variant Classification in Rare Disease 2024 v1.2. Collection method: clinical testing. Allele origin: germline. Affected: yes.
Comment: PM2_moderate, PM3_very-strong

Genetics Laboratory, Great Ormond Street Hospital NHS Foundation Trust, North Thames Genomic Laboratory Hub
Classification: Pathogenic for Monogenic hearing loss. Last evaluated: 2025-09-22. Review status: criteria provided, single submitter. Criteria: ACGS Best Practice Guidelines for Variant Classification in Rare Disease 2024 v1.2. Collection method: clinical testing. Allele origin: germline. Affected: yes.
Comment: the same text as in the submission from Genetics Laboratory, Great Ormond Street Hospital NHS Foundation Trust, North Thames Genomic Laboratory Hub above.

Baylor Genetics
Classification: Pathogenic for Retinitis pigmentosa 39. Last evaluated: 2024-03-07. Review status: criteria provided, single submitter. Criteria: ACMG Guidelines, 2015. Collection method: clinical testing. Allele origin: unknown.

Blueprint Genetics
Classification: Pathogenic for USH2A-related disorders. Last evaluated: 2024-02-13. Review status: criteria provided, single submitter. Criteria: ACMG Guidelines, 2015. Collection method: clinical testing. Allele origin: germline. Affected: yes. Observed: 5 variant alleles.

Genome-Nilou Lab
Classification: Likely pathogenic for Retinitis pigmentosa 39. Last evaluated: 2023-11-04. Review status: criteria provided, single submitter. Criteria: ACMG Guidelines, 2015. Collection method: clinical testing. Allele origin: germline. Affected: no.

Genome-Nilou Lab
Classification: Likely pathogenic for Usher syndrome type 2A. Last evaluated: 2023-11-04. Review status: criteria provided, single submitter. Criteria: ACMG Guidelines, 2015. Collection method: clinical testing. Allele origin: germline. Affected: no.

GeneDx
Classification: Pathogenic. Last evaluated: 2022-05-09. Review status: criteria provided, single submitter. Criteria: GeneDx Variant Classification Process June 2021. Collection method: clinical testing. Allele origin: germline. Affected: yes.
Comment: Not observed at a significant frequency in large population cohorts (gnomAD); In silico analysis, which includes protein predictors and evolutionary conservation, supports a deleterious effect; This variant is associated with the following publications: (PMID: 18273898, 25521520, 26927203, 24944099, 20440071, 22135276, 28944237, 28041643, 27460420, 28559085, 32581362, 33851411)

Institute of Human Genetics, Univ. Regensburg, Univ. Regensburg
Classification: Likely pathogenic for Retinal dystrophy. Last evaluated: 2022-01-01. Review status: criteria provided, single submitter. Criteria: ACMG Guidelines, 2015. Collection method: clinical testing. Allele origin: germline. Affected: yes.

CeGaT Center for Human Genetics Tuebingen
Classification: Pathogenic. Last evaluated: 2020-11-01. Review status: criteria provided, single submitter. Criteria: CeGaT Center For Human Genetics Tuebingen Variant Classification Criteria Version 2. Collection method: clinical testing. Allele origin: germline. Affected: yes. Observed: 1 variant allele.

Laboratory for Molecular Medicine, Mass General Brigham Personalized Medicine
Classification: Likely pathogenic for Usher syndrome. Last evaluated: 2020-06-19. Review status: criteria provided, single submitter. Criteria: LMM Criteria. Collection method: clinical testing. Allele origin: germline. Inheritance: Autosomal recessive inheritance. Observed: 1 variant allele.
Comment: The p.Thr4439Ile variant in USH2A has been reported in 5 European individuals with Usher syndrome type 2, four of whom were compound heterozygous for a second likely pathogenic USH2A variant (Bonnet 2016 PMID:27460420, Dreyer 2008 PMID:18273898, Le Quesne Stabej 2012 PMID:22135276). It has also been identified in 0.003% (3/113178) of European chromosomes by gnomAD. However, this frequency is low enough to be consistent with a recessive carrier frequency. This variant has also been reported in ClinVar (Variation ID 198344) as pathogenic/likely pathogenic on 11/26/2018. Computational prediction tools and conservation analyses suggest that this variant may impact the protein, though this information is not predictive enough to determine pathogenicity. In summary, although additional studies are required to fully establish its clinical significance, this variant meets criteria to be classified as likely pathogenic for autosomal recessive Usher syndrome. ACMG/AMP Criteria applied: PM3 , PM2, PP3, PP4.

Fulgent Genetics
Classification: Pathogenic for Usher syndrome type 2A; Retinitis pigmentosa 39. Last evaluated: 2018-10-31. Review status: criteria provided, single submitter. Criteria: ACMG Guidelines, 2015. Collection method: clinical testing. Allele origin: unknown.

Eurofins Ntd Llc (ga)
Classification: Pathogenic. Last evaluated: 2014-11-17. Review status: criteria provided, single submitter. Criteria: EGL Classification Definitions 2015. Collection method: clinical testing. Allele origin: germline. Observed: 1 variant allele, 1 heterozygote.

Counsyl
Classification: Pathogenic for Usher syndrome type 2A; Retinitis pigmentosa 39. Last evaluated: 2017-04-25. Review status: no assertion criteria provided. Collection method: clinical testing. Allele origin: unknown. Not counted in ClinVar's aggregate classification.

Joint Genome Diagnostic Labs from Nijmegen and Maastricht, Radboudumc and MUMC+
Classification: Likely pathogenic for Usher syndrome type 2A. Last evaluated: 2016-09-01. Review status: no assertion criteria provided. Collection method: clinical testing. Allele origin: unknown. Affected: yes. Observed: 1 variant allele. Not counted in ClinVar's aggregate classification.

NIHR Bioresource Rare Diseases, University of Cambridge
Classification: Likely pathogenic for Retinitis pigmentosa. Last evaluated: 2015-01-01. Review status: no assertion criteria provided. Collection method: research. Allele origin: unknown. Affected: yes. Observed: 1 variant allele. Not counted in ClinVar's aggregate classification.

Clinical Genetics DNA and cytogenetics Diagnostics Lab, Erasmus MC, Erasmus Medical Center
Classification: Likely pathogenic. Review status: no assertion criteria provided. Collection method: clinical testing. Allele origin: germline. Affected: yes. Study: VKGL Data-share Consensus. Not counted in ClinVar's aggregate classification.

Clinical Genetics, Academic Medical Center
Classification: Likely pathogenic. Review status: no assertion criteria provided. Collection method: clinical testing. Allele origin: germline. Affected: yes. Study: VKGL Data-share Consensus. Not counted in ClinVar's aggregate classification.

Literature cited by the submitters: PubMed 22135276 (cited by 5 submitters); PubMed 24944099 (cited by 3 submitters); PubMed 25521520 (cited by Labcorp Genetics (formerly Invitae), Labcorp and Institute of Human Genetics, Univ. Regensburg, Univ. Regensburg); PubMed 26416264 (cited by Labcorp Genetics (formerly Invitae), Labcorp); PubMed 27460420 (cited by 3 submitters); PubMed 27957503 (cited by Labcorp Genetics (formerly Invitae), Labcorp); PubMed 28041643 (cited by 3 submitters); PubMed 31998945 (cited by Natera, Inc.); PubMed 18273898 (cited by 4 submitters); PubMed 28944237 (cited by Institute of Human Genetics, Univ. Regensburg, Univ. Regensburg); PubMed 28559085 (cited by Institute of Human Genetics, Univ. Regensburg, Univ. Regensburg); PubMed 31964843 (cited by Institute of Human Genetics, Univ. Regensburg, Univ. Regensburg); PubMed 32581362 (cited by Institute of Human Genetics, Univ. Regensburg, Univ. Regensburg); PubMed 34948090 (cited by Institute of Human Genetics, Univ. Regensburg, Univ. Regensburg); PubMed 33851411 (cited by Institute of Human Genetics, Univ. Regensburg, Univ. Regensburg); PubMed 36011334 (cited by Institute of Human Genetics, Univ. Regensburg, Univ. Regensburg); PubMed 35266249 (cited by Institute of Human Genetics, Univ. Regensburg, Univ. Regensburg); PubMed 36819107 (cited by Institute of Human Genetics, Univ. Regensburg, Univ. Regensburg); PubMed 20440071 (cited by Eurofins Ntd Llc (ga) and Counsyl); PubMed 26927203 (cited by Counsyl).